The following is an entry in ClinVar:

NM_001457.4(FLNB):c.6643A>G (p.Ser2215Gly)

Gene: FLNB (filamin B; plus strand). Cytogenetic location: 3p14.3.
Variant type: single nucleotide variant.
Coding change: c.6643A>G on transcript NM_001457.4 (MANE Select); coding-DNA position 6643, A replaced by G.
Protein change: p.Ser2215Gly; replaces serine 2215 with glycine.
Molecular consequence: missense variant.
Genome position (GRCh38, 1-based): chr3:58,154,799, A>G. VCF-style: chr3-58154799-A-G. GRCh37 (hg19) VCF-style: chr3-58140526-A-G.
Other names: c.6736A>G, p.Ser2246Gly (NM_001164317.2); c.6610A>G, p.Ser2204Gly (NM_001164318.2); c.6571A>G, p.Ser2191Gly (NM_001164319.2); short protein forms S2204G, S2246G, S2215G, S2191G.
Identifiers: ClinVar variation 1031984 (VCV001031984.1), dbSNP rs2097350829, ClinGen allele CA353360063.

ClinVar aggregate classification (germline): Uncertain significance (1 of 4 stars; one submission).

Conditions:
Atelosteogenesis type I. Also called: SPONDYLOHUMEROFEMORAL HYPOPLASIA; Atelosteogenesis Type 1 (FLNB-AO1); GIANT CELL CHONDRODYSPLASIA. Identifiers: Orphanet 1190, MedGen C0265283, MONDO:0007167, OMIM 108720.

Allele frequency attached by ClinVar (database versions not stated): gnomAD exomes below 0.00001.
gnomAD v4.1: 2 of 1,614,036 alleles (0.00012%); highest among the groups gnomAD compares: Admixed American, 0.0033%; no homozygotes.

Submission:

Baylor Genetics
Classification: Uncertain significance for Atelosteogenesis type I. Last evaluated: 2018-10-01. Review status: criteria provided, single submitter. Criteria: ACMG Guidelines, 2015. Collection method: clinical testing. Allele origin: maternal. Affected: yes.
Comment: This variant was determined to be of uncertain significance according to ACMG Guidelines, 2015 [PMID:25741868].